The following is an entry in ClinVar:

ClinVar aggregate classification (germline): Uncertain significance (1 of 4 stars; one submission).

Conditions:
Hereditary cancer-predisposing syndrome. Also called: Neoplastic Syndromes, Hereditary; Hereditary Cancer Syndrome; Tumor predisposition; Hereditary neoplastic syndrome. Identifiers: Orphanet 140162, MedGen C0027672, MeSH D009386, MONDO:0015356.

Submission:

Ambry Genetics
Classification: Uncertain significance for Hereditary cancer-predisposing syndrome. Last evaluated: 2025-02-01. Review status: criteria provided, single submitter. Criteria: Ambry Variant Classification Scheme 2023. Collection method: clinical testing. Allele origin: germline.
Comment: The p.P1109R variant (also known as c.3326C>G), located in coding exon 28 of the TSC2 gene, results from a C to G substitution at nucleotide position 3326. The proline at codon 1109 is replaced by arginine, an amino acid with dissimilar properties. This amino acid position is conserved. In addition, this alteration is predicted to be deleterious by in silico analysis. Based on the available evidence, the clinical significance of this variant remains unclear.

NM_000548.5(TSC2):c.3326C>G (p.Pro1109Arg)

Gene: TSC2 (TSC complex subunit 2; plus strand). Cytogenetic location: 16p13.3.
Variant type: single nucleotide variant.
Coding change: c.3326C>G on transcript NM_000548.5 (MANE Select); coding-DNA position 3326, C replaced by G.
Protein change: p.Pro1109Arg; replaces proline 1109 with arginine.
Molecular consequence: missense variant. On other transcripts: non-coding transcript variant (5).
Genome position (GRCh38, 1-based): chr16:2,079,598, C>G. VCF-style: chr16-2079598-C-G. GRCh37 (hg19) VCF-style: chr16-2129599-C-G.
Other names: c.3194C>G, p.Pro1065Arg (NM_001077183.3, NM_001370404.1, NM_001406665.1); c.3326C>G, p.Pro1109Arg (NM_001114382.3); c.3086C>G, p.Pro1029Arg (NM_001318827.2); c.3050C>G, p.Pro1017Arg (NM_001318829.2); c.2594C>G, p.Pro865Arg (NM_001318831.2, NM_001406687.1, NM_001406688.1); c.3227C>G, p.Pro1076Arg (NM_001318832.2); c.3197C>G, p.Pro1066Arg (NM_001363528.2, NM_001370405.1, NM_021055.3); c.3323C>G, p.Pro1108Arg (NM_001406663.1, NM_001406664.1); and 18 more; short protein forms P1059R, P1066R, P1108R, P617R, P661R, P865R, P1016R, P1028R.
Identifiers: ClinVar variation 3811354 (VCV003811354.1).